The following is an entry in ClinVar:

NM_004991.4(MECOM):c.953A>G (p.His318Arg)

Gene: MECOM (MDS1 and EVI1 complex locus; minus strand). Cytogenetic location: 3q26.2.
Variant type: single nucleotide variant.
Coding change: c.953A>G on transcript NM_004991.4 (MANE Select); coding-DNA position 953, A replaced by G.
Protein change: p.His318Arg; replaces histidine 318 with arginine.
Molecular consequence: missense variant.
Genome position (GRCh38, 1-based): chr3:169,122,605, T>C on the plus strand (A>G on the coding strand, the complement: MECOM is on the minus strand). VCF-style: chr3-169122605-T-C. GRCh37 (hg19) VCF-style: chr3-168840393-T-C.
Other names: c.953A>G, p.His318Arg (NM_001366473.2, NM_001366466.2); c.389A>G, p.His130Arg (NM_001366474.2, NM_005241.4, NM_001105078.4 and 9 more transcripts); c.581A>G, p.His194Arg (NM_001105077.4); short protein forms H318R, H130R, H194R.
Identifiers: ClinVar variation 4105755 (VCV004105755.1).

ClinVar aggregate classification (germline): Uncertain significance (1 of 4 stars; one submission).

Conditions:
Inborn genetic diseases. Identifiers: MedGen C0950123, MeSH D030342.

Submission:

Ambry Genetics
Classification: Uncertain significance for Inborn genetic diseases. Last evaluated: 2025-07-06. Review status: criteria provided, single submitter. Criteria: Ambry Variant Classification Scheme 2023. Collection method: clinical testing. Allele origin: germline.
Comment: The p.H318R variant (also known as c.953A>G), located in coding exon 6 of the MECOM gene, results from an A to G substitution at nucleotide position 953. The histidine at codon 318 is replaced by arginine, an amino acid with highly similar properties. This amino acid position is conserved. In addition, the in silico prediction for this alteration is inconclusive. Based on the available evidence, the clinical significance of this variant remains unclear.